The following is an entry in ClinVar:

ClinVar aggregate classification (germline): Pathogenic (1 of 4 stars; one submission).

Conditions:
Niemann-Pick disease, type C1. Also called: NEUROVISCERAL STORAGE DISEASE WITH VERTICAL SUPRANUCLEAR OPHTHALMOPLEGIA; NIEMANN-PICK DISEASE WITH CHOLESTEROL ESTERIFICATION BLOCK; NIEMANN-PICK DISEASE WITHOUT SPHINGOMYELINASE DEFICIENCY; NIEMANN-PICK DISEASE, CHRONIC NEURONOPATHIC FORM; NIEMANN-PICK DISEASE, VARIANT TYPE C1. Identifiers: Orphanet 646, MedGen C3179455, MONDO:0009757, OMIM 257220.

Submission:

Myriad Genetics, Inc.
Classification: Pathogenic for Niemann-Pick disease, type C1. Last evaluated: 2024-01-27. Review status: criteria provided, single submitter. Criteria: Myriad Autosomal Dominant, Autosomal Recessive and X-Linked Classification Criteria (2023). Collection method: clinical testing. Allele origin: unknown.
Comment: NM_000271.4(NPC1):c.1525dupT(Y509Lfs*17) is expected to be pathogenic in the context of Niemann-Pick disease type C1. This variant is predicted to lead to an abnormal or absent protein product due to the creation of a premature termination codon in NPC1, a gene where loss-of-function variants are known to be pathogenic. Please note: this variant was assessed in the context of healthy population screening.

NM_000271.5(NPC1):c.1525dup (p.Tyr509fs)

Gene: NPC1 (NPC intracellular cholesterol transporter 1; minus strand). Cytogenetic location: 18q11.2.
Variant type: Duplication.
Coding change: c.1525dup on transcript NM_000271.5 (MANE Select); coding-DNA position 1525, one base duplicated (T; older notation c.1525dupT).
Protein change: p.Tyr509fs; shifts the reading frame from tyrosine 509.
Molecular consequence: frameshift variant.
Genome position (GRCh38, 1-based): chr18:23,554,786, A duplicated on the plus strand (T on the coding strand, the reverse complement: NPC1 is on the minus strand); the first of 2 consecutive A bases (chr18:23,554,786-23,554,787); duplicating either gives the same sequence. VCF-style (leftmost placement, unchanged base first): chr18-23554785-T-TA. GRCh37 (hg19) VCF-style: chr18-21134749-T-TA.
Other names: short protein forms Y509fs.
Identifiers: ClinVar variation 5012687 (VCV005012687.1).